The following is an entry in ClinVar:

ClinVar aggregate classification (germline): Uncertain significance. Review status: criteria provided, multiple submitters, no conflicts (2 of 4 stars). 2 submissions from 2 submitters: Uncertain significance (2). Last evaluated 2025-12-17.

Conditions:
Hereditary cancer-predisposing syndrome. Also called: Neoplastic Syndromes, Hereditary; Hereditary Cancer Syndrome; Hereditary neoplastic syndrome; Tumor predisposition. Identifiers: Orphanet 140162, MedGen C0027672, MeSH D009386, MONDO:0015356.
Gastrointestinal stromal tumor. Also called: Gastrointestinal stroma tumor; Gastrointestinal stromal tumor, somatic. Identifiers: Orphanet 44890, MedGen C0238198, MeSH D046152, MONDO:0011719, OMIM 606764, HP:0100723.

Allele frequency attached by ClinVar (database versions not stated): gnomAD exomes below 0.00001.

Submissions (2):

Labcorp Genetics (formerly Invitae), Labcorp
Classification: Uncertain significance for Gastrointestinal stromal tumor. Last evaluated: 2025-12-17. Review status: criteria provided, single submitter. Criteria: Invitae Variant Classification Sherloc (09022015). Collection method: clinical testing. Allele origin: germline.
Comment: This sequence change replaces valine, which is neutral and non-polar, with isoleucine, which is neutral and non-polar, at codon 10 of the PDGFRA protein (p.Val10Ile). This variant is not present in population databases (gnomAD no frequency). This variant has not been reported in the literature in individuals affected with PDGFRA-related conditions. ClinVar contains an entry for this variant (Variation ID: 407441). An algorithm developed to predict the effect of missense changes on protein structure and function outputs the following: PolyPhen-2: "Benign". The isoleucine amino acid residue is found in multiple mammalian species, which suggests that this missense change does not adversely affect protein function. In summary, the available evidence is currently insufficient to determine the role of this variant in disease. Therefore, it has been classified as a Variant of Uncertain Significance.

Ambry Genetics
Classification: Uncertain significance for Hereditary cancer-predisposing syndrome. Last evaluated: 2023-11-29. Review status: criteria provided, single submitter. Criteria: Ambry Variant Classification Scheme 2023. Collection method: clinical testing. Allele origin: germline.
Comment: The p.V10I variant (also known as c.28G>A), located in coding exon 1 of the PDGFRA gene, results from a G to A substitution at nucleotide position 28. The valine at codon 10 is replaced by isoleucine, an amino acid with highly similar properties. This amino acid position is conserved. In addition, this alteration is predicted to be tolerated by in silico analysis. Since supporting evidence is limited at this time, the clinical significance of this alteration remains unclear.

NM_006206.6(PDGFRA):c.28G>A (p.Val10Ile)

Gene: PDGFRA (platelet derived growth factor receptor alpha; plus strand). Cytogenetic location: 4q12.
Variant type: single nucleotide variant.
Coding change: c.28G>A on transcript NM_006206.6 (MANE Select); coding-DNA position 28, G replaced by A.
Protein change: p.Val10Ile; replaces valine 10 with isoleucine.
Molecular consequence: missense variant.
Genome position (GRCh38, 1-based): chr4:54,258,796, G>A. VCF-style: chr4-54258796-G-A. GRCh37 (hg19) VCF-style: chr4-55124963-G-A.
Other names: c.28G>A, p.Val10Ile (NM_001347827.2, NM_001347829.2); c.103G>A, p.Val35Ile (NM_001347828.2); c.67G>A, p.Val23Ile (NM_001347830.2); short protein forms V10I, V23I, V35I.
Identifiers: ClinVar variation 407441 (VCV000407441.9), dbSNP rs1060501519, ClinGen allele CA16611451.